The following is an entry in ClinVar:

NM_000540.3(RYR1):c.14378T>G (p.Leu4793Arg)

Gene: RYR1 (ryanodine receptor 1; plus strand). Cytogenetic location: 19q13.2.
Variant type: single nucleotide variant.
Coding change: c.14378T>G on transcript NM_000540.3 (MANE Select); coding-DNA position 14378, T replaced by G.
Protein change: p.Leu4793Arg; replaces leucine 4793 with arginine.
Molecular consequence: missense variant.
Genome position (GRCh38, 1-based): chr19:38,579,995, T>G. VCF-style: chr19-38579995-T-G. GRCh37 (hg19) VCF-style: chr19-39070635-T-G.
Other names: c.14363T>G, p.Leu4788Arg (NM_001042723.2); short protein forms L4788R, L4793R.
Identifiers: ClinVar variation 1483609 (VCV001483609.41), dbSNP rs118192179, ClinGen allele CA405686849.
Genomic context (GRCh38, chr19:38,579,995, plus strand): 5'-CGTGTGTCCCTGCCTTCCCCCTGACCCCTGGCCCTGTGTGCCCACAGTCCTTCCTGTACC[T>G]GGGCTGGTATATGGTGATGTCCCTCTTGGGACACTACAACAACTTCTTCTTTGCTGCCCA-3'
Protein context (NP_000531.2, residues 4783-4803): VIFTDNSFLY[Leu4793Arg]GWYMVMSLLG

ClinVar aggregate classification (germline): Conflicting classifications of pathogenicity. Review status: criteria provided, conflicting classifications (1 of 4 stars). 5 submissions from 5 submitters: Likely pathogenic (2); Uncertain significance (3). Last evaluated 2025-11-17.

Conditions:
Malignant hyperthermia, susceptibility to, 1 (MHS1). Also called: RYR1-Related Malignant Hyperthermia Susceptibility; Anesthesia related hyperthermia; Malignant hyperpyrexia; Fulminating hyperpyrexia; Pharmacogenic myopathy; Malignant hyperthermia suceptibility 1. Identifiers: Orphanet 423, MedGen C2930980, MONDO:0007783, OMIM 145600.
RYR1-related disorder. Also called: RYR1-related disorders; RYR1-related condition. Identifiers: MedGen CN239331.

Allele frequency attached by ClinVar (database versions not stated): gnomAD exomes below 0.00001 and 0.00001; TOPMed below 0.00001.
gnomAD v4.1: 10 of 1,614,140 alleles (0.00062%); highest among the groups gnomAD compares: Non-Finnish European, 0.00076%; no homozygotes.

Submissions (5):

Labcorp Genetics (formerly Invitae), Labcorp
Classification: Likely pathogenic for RYR1-related disorder. Last evaluated: 2025-11-17. Review status: criteria provided, single submitter. Criteria: Invitae Variant Classification Sherloc (09022015). Collection method: clinical testing. Allele origin: germline.
Comment: This sequence change replaces leucine, which is neutral and non-polar, with arginine, which is basic and polar, at codon 4793 of the RYR1 protein (p.Leu4793Arg). This variant is present in population databases (no rsID available, gnomAD 0.002%). This variant has not been reported in the literature in individuals affected with RYR1-related conditions. ClinVar contains an entry for this variant (Variation ID: 1483609). Invitae Evidence Modeling of protein sequence and biophysical properties (such as structural, functional, and spatial information, amino acid conservation, physicochemical variation, residue mobility, and thermodynamic stability) has been performed for this missense variant. However, the output from this modeling did not meet the statistical confidence thresholds required to predict the impact of this variant on RYR1 protein function. This variant disrupts the p.Leu4793 amino acid residue in RYR1. Other variant(s) that disrupt this residue have been determined to be pathogenic (PMID: 11709545; internal data). This suggests that this residue is clinically significant, and that variants that disrupt this residue are likely to be disease-causing. In summary, the currently available evidence indicates that the variant is pathogenic, but additional data are needed to prove that conclusively. Therefore, this variant has been classified as Likely Pathogenic.

ARUP Laboratories, Molecular Genetics and Genomics, ARUP Laboratories
Classification: Uncertain significance. Last evaluated: 2024-09-20. Review status: criteria provided, single submitter. Criteria: ARUP Molecular Germline Variant Investigation Process 2024. Collection method: clinical testing. Allele origin: germline.
Comment: The RYR1 c.14378T>G; p.Leu4793Arg variant (rs118192179), to our knowledge, is not reported in the medical literature but is reported in ClinVar (Variation ID: 1483609). This variant is only observed on two alleles in the Genome Aggregation Database (v2.1.1), indicating it is not a common polymorphism. Computational analyses predict that this variant is deleterious (REVEL: 0.907). However, given the lack of clinical and functional data, the significance of this variant is uncertain at this time.

All of Us Research Program, National Institutes of Health
Classification: Uncertain significance for Malignant hyperthermia, susceptibility to, 1. Last evaluated: 2024-07-20. Review status: criteria provided, single submitter. Criteria: ACMG Guidelines, 2015. Collection method: clinical testing. Allele origin: germline. Inheritance: Autosomal dominant inheritance. Observed: 2 variant alleles, 2 heterozygotes.
Comment: This missense variant replaces leucine with arginine at codon 4793 of the RYR1 protein. Computational prediction suggests that this variant may have deleterious impact on protein structure and function. To our knowledge, functional studies have not been reported for this variant. This variant has not been reported in individuals affected with autosomal dominant malignant hyperthermia in the literature, although it is associated with other phenotype(s) (ClinVar variation ID: 1483609). This variant has been identified in 2/282810 chromosomes in the general population by the Genome Aggregation Database (gnomAD). Due to insufficient evidence, this variant is classified as a Variant of Uncertain Significance for autosomal dominant malignant hyperthermia.

This study involves interpretation of variants in research participants for the purpose of population health screening. Participant phenotype was not available at the time of variant classification. Additional details can be found in publication PMID: 35346344, PMCID: PMC8962531

Color Diagnostics, LLC DBA Color Health
Classification: Uncertain significance for Malignant hyperthermia, susceptibility to, 1. Last evaluated: 2024-07-12. Review status: criteria provided, single submitter. Criteria: ACMG Guidelines, 2015. Collection method: clinical testing. Allele origin: germline.
Comment: This missense variant replaces leucine with arginine at codon 4793 of the RYR1 protein. Computational prediction suggests that this variant may have deleterious impact on protein structure and function. To our knowledge, functional studies have not been reported for this variant. This variant has not been reported in individuals affected with autosomal dominant malignant hyperthermia in the literature, although it is associated with other phenotype(s) (ClinVar variation ID: 1483609). This variant has been identified in 2/282810 chromosomes in the general population by the Genome Aggregation Database (gnomAD). Due to insufficient evidence, this variant is classified as a Variant of Uncertain Significance for autosomal dominant malignant hyperthermia.

CeGaT Center for Human Genetics Tuebingen
Classification: Likely pathogenic. Last evaluated: 2023-05-01. Review status: criteria provided, single submitter. Criteria: CeGaT Center For Human Genetics Tuebingen Variant Classification Criteria Version 2. Collection method: clinical testing. Allele origin: germline. Affected: yes. Observed: 2 variant alleles.
Comment: RYR1: PM1, PM2, PM5, PP3

Literature cited by the submitters: PubMed 11709545 (cited by Labcorp Genetics (formerly Invitae), Labcorp).